The following is an entry in ClinVar:

ClinVar aggregate classification (germline): Conflicting classifications of pathogenicity. Review status: criteria provided, conflicting classifications (1 of 4 stars). 2 submissions from 2 submitters: Likely pathogenic (1); Uncertain significance (1). Last evaluated 2022-07-26.

Conditions:
TNF receptor-associated periodic fever syndrome (TRAPS) (FPF). Also called: FAMILIAL HIBERNIAN FEVER; Autosomal Dominant Familial Periodic Fever; TNF RECEPTOR-ASSOCIATED PERIODIC SYNDROME; TUMOR NECROSIS FACTOR RECEPTOR-ASSOCIATED PERIODIC SYNDROME; TNF Receptor-Associated Periodic Fever Syndrome; TNF receptor 1-associated periodic fever syndrome. Identifiers: Orphanet 32960, MedGen C1275126, MONDO:0007727, OMIM 142680.

Allele frequency attached by ClinVar (database versions not stated): gnomAD exomes below 0.00001 and 0.00001; ExAC 0.00001; TOPMed 0.00001; gnomAD 0.00002 and 0.00003; 1000 Genomes Project 0.00020; 1000 Genomes Project 30x 0.00031.
gnomAD v4.1: 10 of 1,614,164 alleles (0.00062%); highest among the groups gnomAD compares: East Asian, 0.0022%; no homozygotes.

Submissions (2):

Labcorp Genetics (formerly Invitae), Labcorp
Classification: Likely pathogenic for TNF receptor-associated periodic fever syndrome (TRAPS). Last evaluated: 2022-07-26. Review status: criteria provided, single submitter. Criteria: Invitae Variant Classification Sherloc (09022015). Collection method: clinical testing. Allele origin: germline.
Comment: In summary, the currently available evidence indicates that the variant is pathogenic, but additional data are needed to prove that conclusively. Therefore, this variant has been classified as Likely Pathogenic. This variant disrupts the p.Asp41 amino acid residue in TNFRSF1A. Other variant(s) that disrupt this residue have been determined to be pathogenic (PMID: 23322460). This suggests that this residue is clinically significant, and that variants that disrupt this residue are likely to be disease-causing. Advanced modeling of protein sequence and biophysical properties (such as structural, functional, and spatial information, amino acid conservation, physicochemical variation, residue mobility, and thermodynamic stability) performed at Invitae indicates that this missense variant is expected to disrupt TNFRSF1A protein function. ClinVar contains an entry for this variant (Variation ID: 546694). This variant has not been reported in the literature in individuals affected with TNFRSF1A-related conditions. This variant is present in population databases (rs199882512, gnomAD 0.002%). This sequence change replaces aspartic acid, which is acidic and polar, with histidine, which is basic and polar, at codon 41 of the TNFRSF1A protein (p.Asp41His).

CeGaT Center for Human Genetics Tuebingen
Classification: Uncertain significance. Last evaluated: 2017-12-01. Review status: criteria provided, single submitter. Criteria: CeGaT Center For Human Genetics Tuebingen Variant Classification Criteria Version 2. Collection method: clinical testing. Allele origin: germline. Affected: yes. Observed: 1 variant allele.

Literature cited by the submitters: PubMed 23322460 (cited by Labcorp Genetics (formerly Invitae), Labcorp).

NM_001065.4(TNFRSF1A):c.121G>C (p.Asp41His)

Gene: TNFRSF1A (TNF receptor superfamily member 1A; minus strand). Cytogenetic location: 12p13.31.
Variant type: single nucleotide variant.
Coding change: c.121G>C on transcript NM_001065.4 (MANE Select); coding-DNA position 121, G replaced by C.
Protein change: p.Asp41His; replaces aspartic acid 41 with histidine.
Molecular consequence: missense variant. On other transcripts: 5 prime UTR variant (1), non-coding transcript variant (1), intron variant (1).
Genome position (GRCh38, 1-based): chr12:6,334,163, C>G on the plus strand (G>C on the coding strand, the complement: TNFRSF1A is on the minus strand). VCF-style: chr12-6334163-C-G. GRCh37 (hg19) VCF-style: chr12-6443329-C-G.
Other names: c.-457G>C (NM_001346092.2); c.-131-298G>C (NM_001346091.2); short protein forms D41H.
Identifiers: ClinVar variation 546694 (VCV000546694.49), dbSNP rs199882512, ClinGen allele CA6405607.
Genomic context (GRCh38, chr12:6,334,163, plus strand): 5'-TGGTACAGCAAATCGAATTATTTTGAGGGTGGATATATTTTCCTTGGGGACACACACTAT[C>G]TCTCTTCTCCCTGTCCCCTAGGTGAGGGACCAGTCCAATAACCCCTGAGGGGTATATTCC-3'
Protein context (NP_001056.1, residues 31-51): VPHLGDREKR[Asp41His]SVCPQGKYIH